The following is an entry in ClinVar:

ClinVar aggregate classification (germline): Uncertain significance (1 of 4 stars; one submission).

Submission:

Ambry Genetics
Classification: Uncertain significance. Last evaluated: 2025-02-23. Review status: criteria provided, single submitter. Criteria: Ambry Variant Classification Scheme 2023. Collection method: clinical testing. Allele origin: germline.
Comment: The p.L243M variant (also known as c.727C>A), located in coding exon 6 of the RNF43 gene, results from a C to A substitution at nucleotide position 727. The leucine at codon 243 is replaced by methionine, an amino acid with highly similar properties. This amino acid position is conserved. In addition, this alteration is predicted to be tolerated by in silico analysis. Based on the available evidence, the clinical significance of this variant remains unclear.

NM_017763.6(RNF43):c.727C>A (p.Leu243Met)

Gene: RNF43 (ring finger protein 43; minus strand). Cytogenetic location: 17q22.
Variant type: single nucleotide variant.
Coding change: c.727C>A on transcript NM_017763.6 (MANE Select); coding-DNA position 727, C replaced by A.
Protein change: p.Leu243Met; replaces leucine 243 with methionine.
Molecular consequence: missense variant.
Genome position (GRCh38, 1-based): chr17:58,360,905, G>T on the plus strand (C>A on the coding strand, the complement: RNF43 is on the minus strand). VCF-style: chr17-58360905-G-T. GRCh37 (hg19) VCF-style: chr17-56438266-G-T.
Other names: c.727C>A, p.Leu243Met (NM_001305544.3); c.346C>A, p.Leu116Met (NM_001305545.2); short protein forms L116M, L243M.
Identifiers: ClinVar variation 3789954 (VCV003789954.1).
Genomic context (GRCh38, chr17:58,360,905, plus strand): 5'-CTGAGTCTGGCCACTCACCCCGGGCCTGCCTGCAGCTGGCCTGGTACCTCCTGGTGGCCA[G>T]CTGGCTGATGGCCCAGGCTGTTCTCTGCTGAAGCGGATCCTGGGAAGAGGAATGGGGCTC-3'
Protein context (NP_060233.3, residues 233-253): QQRTAWAISQ[Leu243Met]ATRRYQASCR